The following is an entry in ClinVar:

ClinVar aggregate classification (germline): Uncertain significance (1 of 4 stars; one submission).

gnomAD v4.1: 3 of 1,613,892 alleles (0.00019%); highest among the groups gnomAD compares: Non-Finnish European, 0.00025%; no homozygotes.

Submission:

GeneDx
Classification: Uncertain significance. Last evaluated: 2025-05-21. Review status: criteria provided, single submitter. Criteria: GeneDx Variant Classification Process June 2021. Collection method: clinical testing. Allele origin: germline. Affected: yes.
Comment: Not observed at significant frequency in large population cohorts (gnomAD); In silico analysis suggests that this missense variant does not alter protein structure/function; Has not been previously published as pathogenic or benign to our knowledge

NM_001039141.3(TRIOBP):c.832G>C (p.Ala278Pro)

Gene: TRIOBP (TRIO and F-actin binding protein; plus strand). Cytogenetic location: 22q13.1.
Variant type: single nucleotide variant.
Coding change: c.832G>C on transcript NM_001039141.3 (MANE Select); coding-DNA position 832, G replaced by C.
Protein change: p.Ala278Pro; replaces alanine 278 with proline.
Molecular consequence: missense variant.
Genome position (GRCh38, 1-based): chr22:37,723,388, G>C. VCF-style: chr22-37723388-G-C. GRCh37 (hg19) VCF-style: chr22-38119395-G-C.
Other names: short protein forms A278P.
Identifiers: ClinVar variation 4530992 (VCV004530992.1).